The following is an entry in ClinVar:

ClinVar aggregate classification (germline): Conflicting classifications of pathogenicity. Review status: criteria provided, conflicting classifications (1 of 4 stars). 7 submissions from 7 submitters: Pathogenic (1); Likely pathogenic (4); Uncertain significance (1). 1 of the submissions does not count toward it. Last evaluated 2025-07-03.

Conditions:
LAMA2-related muscular dystrophy (LAMA2-RD). Also called: Laminin alpha 2-related dystrophy. Identifiers: MedGen C5679788, MONDO:0100228.
Merosin deficient congenital muscular dystrophy (MDC1A). Also called: Congenital Muscular Dystrophy Type 1A (MDC1A); Congenital merosin-deficient muscular dystrophy 1A. Identifiers: Orphanet 258, MedGen C1263858, MONDO:0011925, OMIM 607855.
Muscular dystrophy, limb-girdle, autosomal recessive 23. Identifiers: Orphanet 565837, MedGen C4748327, MONDO:0029136, OMIM 618138.

Allele frequency attached by ClinVar (database versions not stated): ExAC 0.00002; gnomAD exomes 0.00003; TOPMed 0.00004; gnomAD 0.00005; ESP Exome Variant Server 0.00008.
gnomAD v4.1: 45 of 1,541,382 alleles (0.0029%); highest among the groups gnomAD compares: African/African-American, 0.0082%; no homozygotes.

Submissions (7):

Labcorp Genetics (formerly Invitae), Labcorp
Classification: Likely pathogenic for LAMA2-related muscular dystrophy. Last evaluated: 2025-07-03. Review status: criteria provided, single submitter. Criteria: Invitae Variant Classification Sherloc (09022015). Collection method: clinical testing. Allele origin: germline.
Comment: This sequence change affects a donor splice site in intron 38 of the LAMA2 gene. It is expected to disrupt RNA splicing. Variants that disrupt the donor or acceptor splice site typically lead to a loss of protein function (PMID: 16199547), and loss-of-function variants in LAMA2 are known to be pathogenic (PMID: 18700894, 32904964). This variant is present in population databases (rs376014152, gnomAD 0.01%). This variant has not been reported in the literature in individuals affected with LAMA2-related conditions. ClinVar contains an entry for this variant (Variation ID: 553305). Algorithms developed to predict the effect of sequence changes on RNA splicing suggest that this variant may disrupt the consensus splice site. In summary, the currently available evidence indicates that the variant is pathogenic, but additional data are needed to prove that conclusively. Therefore, this variant has been classified as Likely Pathogenic.

CeGaT Center for Human Genetics Tuebingen
Classification: Uncertain significance. Last evaluated: 2025-03-01. Review status: criteria provided, single submitter. Criteria: CeGaT Center For Human Genetics Tuebingen Variant Classification Criteria Version 2. Collection method: clinical testing. Allele origin: germline. Affected: yes. Observed: 1 variant allele.
Comment: LAMA2: PM2, PVS1:Moderate

Revvity Omics, Revvity
Classification: Likely pathogenic. Last evaluated: 2024-10-21. Review status: criteria provided, single submitter. Criteria: ACMG Guidelines, 2015. Collection method: clinical testing. Allele origin: germline.

Baylor Genetics
Classification: Likely pathogenic for Merosin deficient congenital muscular dystrophy. Last evaluated: 2023-08-05. Review status: criteria provided, single submitter. Criteria: ACMG Guidelines, 2015. Collection method: clinical testing. Allele origin: unknown.

Kariminejad - Najmabadi Pathology & Genetics Center
Classification: Pathogenic for Merosin deficient congenital muscular dystrophy. Review status: criteria provided, single submitter. Criteria: ACMG Guidelines, 2015. Collection method: clinical testing. Allele origin: germline. Affected: no.

Neuberg Centre For Genomic Medicine, NCGM
Classification: Likely pathogenic for Muscular dystrophy, limb-girdle, autosomal recessive 23. Review status: criteria provided, single submitter. Criteria: ACMG Guidelines, 2015. Collection method: clinical testing. Allele origin: germline. Inheritance: Autosomal recessive inheritance. Affected: yes.
Comment: The splice donor variant c.5562+1G>A in LAMA2 (NM_000426.4) has been reported to ClinVar as Likely Pathogenic. The c.5562+1G>A variant is observed in 2/16,206 (0.0123%) alleles from individuals of African background in gnomAD Exomes and is novel (not in any individuals) in 1000 Genomes. Donor and acceptor splice site variants typically lead to a loss of protein function (D Baralle, M Baralle 2005), and loss-of-function variants in LAMA2 are known to be pathogenic (J Oliveira et al 2008). This variant mutates a splice-donor sequence, potentially resulting in the retention of large segments of intronic DNA by the mRNA and nonfunctional proteins. For these reasons, this variant has been classified as Likely Pathogenic.

Counsyl
Classification: Likely pathogenic for Merosin deficient congenital muscular dystrophy. Last evaluated: 2017-08-23. Review status: no assertion criteria provided. Collection method: clinical testing. Allele origin: unknown. Not counted in ClinVar's aggregate classification.

Literature cited by the submitters: PubMed 16199547 (cited by Labcorp Genetics (formerly Invitae), Labcorp); PubMed 18700894 (cited by Labcorp Genetics (formerly Invitae), Labcorp); PubMed 32904964 (cited by Labcorp Genetics (formerly Invitae), Labcorp).

NM_000426.4(LAMA2):c.5562+1G>A

Gene: LAMA2 (laminin subunit alpha 2; plus strand). Cytogenetic location: 6q22.33.
Variant type: single nucleotide variant.
Coding change: c.5562+1G>A on transcript NM_000426.4 (MANE Select); the canonical splice donor site of the intron after coding-DNA position 5562, G replaced by A.
Molecular consequence: splice donor variant.
Genome position (GRCh38, 1-based): chr6:129,401,341, G>A. VCF-style: chr6-129401341-G-A. GRCh37 (hg19) VCF-style: chr6-129722486-G-A.
Other names: c.5562+1G>A (NM_001079823.2).
Identifiers: ClinVar variation 553305 (VCV000553305.21), dbSNP rs376014152, ClinGen allele CA3993915.